The following is an entry in ClinVar:

NM_003890.3(FCGBP):c.8252C>T (p.Ser2751Leu)

Gene: FCGBP (Fc gamma binding protein; minus strand). Cytogenetic location: 19q13.2.
Variant type: single nucleotide variant.
Coding change: c.8252C>T on transcript NM_003890.3 (MANE Select); coding-DNA position 8252, C replaced by T.
Protein change: p.Ser2751Leu; replaces serine 2751 with leucine.
Molecular consequence: missense variant.
Genome position (GRCh38, 1-based): chr19:39,902,061, G>A on the plus strand (C>T on the coding strand, the complement: FCGBP is on the minus strand). VCF-style: chr19-39902061-G-A. GRCh37 (hg19) VCF-style: chr19-40392134-G-A.
Other names: short protein forms S2751L.
Identifiers: ClinVar variation 3094045 (VCV003094045.2), dbSNP rs369736818, ClinGen allele CA308273071.

ClinVar aggregate classification (germline): Uncertain significance (1 of 4 stars; one submission).

Allele frequency attached by ClinVar (database versions not stated): gnomAD exomes 0.00007; gnomAD 0.00017; ESP Exome Variant Server 0.00016.

Submission:

Ambry Genetics
Classification: Uncertain significance. Last evaluated: 2026-08-17. Review status: criteria provided, single submitter. Criteria: Ambry Variant Classification Scheme 2023. Collection method: clinical testing. Allele origin: germline.
Comment: The c.8252C>T (p.S2751L) alteration is located in exon 17 (coding exon 17) of the FCGBP gene. This alteration results from a C to T substitution at nucleotide position 8252, causing the serine (S) at amino acid position 2751 to be replaced by a leucine (L). Based on data from gnomAD, the T allele has an overall frequency of 0.023% (56/248070) total alleles studied. The highest observed frequency was 0.045% (10/22184) of European (Finnish) alleles. Based on insufficient or conflicting evidence, the clinical significance of this alteration remains unclear.